The following is an entry in ClinVar:

NM_001287491.2(TET3):c.2818_2841del (p.Tyr940_Leu947del)

Gene: TET3 (tet methylcytosine dioxygenase 3; plus strand). Cytogenetic location: 2p13.1.
Variant type: Deletion.
Coding change: c.2818_2841del on transcript NM_001287491.2 (MANE Select); coding-DNA positions 2818 to 2841, 24 bases deleted (TACCAGGAGCTCACCGACACCCTC).
Protein change: p.Tyr940_Leu947del.
Genome position (GRCh38, 1-based): chr2:74,087,968-74,087,991, TACCAGGAGCTCACCGACACCCTC deleted; deleting any 24 consecutive bases within chr2:74,087,959-74,087,991 gives the same sequence; the c. name uses the placement nearest the transcript's 3' end. VCF-style (leftmost placement, unchanged base first): chr2-74087958-AGACACCCTCTACCAGGAGCTCACC-A. GRCh37 (hg19) VCF-style: chr2-74315085-AGACACCCTCTACCAGGAGCTCACC-A.
Other names: c.2539_2562del, p.Tyr847_Leu854del (NM_001366022.1).
Identifiers: ClinVar variation 3900457 (VCV003900457.1).

ClinVar aggregate classification (germline): Pathogenic (1 of 4 stars; one submission).

Submission:

GeneDx
Classification: Pathogenic. Last evaluated: 2024-11-22. Review status: criteria provided, single submitter. Criteria: GeneDx Variant Classification Process June 2021. Collection method: clinical testing. Allele origin: germline. Affected: yes.
Comment: Not observed at significant frequency in large population cohorts (gnomAD); In-frame deletion of 8 amino acid(s) in a non-repeat region; In silico analysis supports a deleterious effect on protein structure/function; Has not been previously published as pathogenic or benign to our knowledge